The following is an entry in ClinVar:

ClinVar aggregate classification (germline): Benign/Likely benign. Review status: criteria provided, multiple submitters, no conflicts (2 of 4 stars). 4 submissions from 4 submitters: Benign (1); Likely benign (3). Last evaluated 2024-05-20.

Conditions:
Ataxia-telangiectasia syndrome (AT). Also called: Ataxia telangiectasia (A-T); Ataxia-telangiectasia, complementation group E; LOUIS-BAR SYNDROME; Cerebello-oculocutaneous telangiectasia; Immunodeficiency with ataxia telangiectasia; Ataxia-telangiectasia, complementation group D. Identifiers: Orphanet 100, MedGen C0004135, MONDO:0008840, OMIM 208900.
Hereditary cancer-predisposing syndrome. Also called: Hereditary Cancer Syndrome; Neoplastic Syndromes, Hereditary; Tumor predisposition; Hereditary neoplastic syndrome. Identifiers: Orphanet 140162, MedGen C0027672, MeSH D009386, MONDO:0015356.
Familial cancer of breast. Also called: Hereditary breast cancer; hereditary breast carcinoma; BREAST CANCER, FAMILIAL. Identifiers: Orphanet 227535, MedGen C0346153, MONDO:0016419, OMIM 114480. Disease mechanism: loss of function.

Allele frequency attached by ClinVar (database versions not stated): gnomAD exomes below 0.00001; ExAC 0.00001.
gnomAD v4.1: 13 of 1,602,978 alleles (0.00081%); highest among the groups gnomAD compares: South Asian, 0.012%; no homozygotes.

Submissions (4):

Myriad Genetics, Inc.
Classification: Benign for Familial cancer of breast. Last evaluated: 2024-05-20. Review status: criteria provided, single submitter. Criteria: Myriad Autosomal Dominant, Autosomal Recessive and X-Linked Classification Criteria (2023). Collection method: clinical testing. Allele origin: unknown.
Comment: This variant is considered benign. This variant is a silent/synonymous amino acid change and it is not expected to impact splicing.

Color Diagnostics, LLC DBA Color Health
Classification: Likely benign for Hereditary cancer-predisposing syndrome. Last evaluated: 2023-12-11. Review status: criteria provided, single submitter. Criteria: ACMG Guidelines, 2015. Collection method: clinical testing. Allele origin: germline.

Labcorp Genetics (formerly Invitae), Labcorp
Classification: Likely benign for Ataxia-telangiectasia syndrome. Last evaluated: 2022-10-05. Review status: criteria provided, single submitter. Criteria: Invitae Variant Classification Sherloc (09022015). Collection method: clinical testing. Allele origin: germline.

Ambry Genetics
Classification: Likely benign for Hereditary cancer-predisposing syndrome. Last evaluated: 2015-03-02. Review status: criteria provided, single submitter. Criteria: Ambry Variant Classification Scheme 2023. Collection method: clinical testing. Allele origin: germline.

NM_000051.4(ATM):c.4677T>C (p.Ile1559=)

Gene: ATM (ATM serine/threonine kinase; plus strand). Cytogenetic location: 11q22.3.
Variant type: single nucleotide variant.
Coding change: c.4677T>C on transcript NM_000051.4 (MANE Select); coding-DNA position 4677, T replaced by C.
Protein change: p.Ile1559=; no amino-acid change (isoleucine 1559 retained).
Molecular consequence: synonymous variant.
Genome position (GRCh38, 1-based): chr11:108,293,378, T>C. VCF-style: chr11-108293378-T-C. GRCh37 (hg19) VCF-style: chr11-108164105-T-C.
Other names: c.4677T>C, p.Ile1559= (NM_001351834.2).
Identifiers: ClinVar variation 230606 (VCV000230606.17), dbSNP rs759660081, ClinGen allele CA6265528.